The following is an entry in ClinVar:

NM_001378452.1(ITPR1):c.6973A>G (p.Met2325Val)

Gene: ITPR1 (inositol 1,4,5-trisphosphate receptor type 1; plus strand). Cytogenetic location: 3p26.1.
Variant type: single nucleotide variant.
Coding change: c.6973A>G on transcript NM_001378452.1 (MANE Select); coding-DNA position 6973, A replaced by G.
Protein change: p.Met2325Val; replaces methionine 2325 with valine.
Molecular consequence: missense variant.
Genome position (GRCh38, 1-based): chr3:4,800,466, A>G. VCF-style: chr3-4800466-A-G. GRCh37 (hg19) VCF-style: chr3-4842150-A-G.
Other names: c.6829A>G, p.Met2277Val (NM_001099952.4); c.6928A>G, p.Met2310Val (NM_001168272.2); c.6784A>G, p.Met2262Val (NM_002222.7); short protein forms M2262V, M2277V, M2310V, M2325V.
Identifiers: ClinVar variation 1878693 (VCV001878693.1), dbSNP rs375240191, ClinGen allele CA351643620.

ClinVar aggregate classification (germline): Uncertain significance (1 of 4 stars; one submission).

Allele frequency attached by ClinVar (database versions not stated): TOPMed 0.00001.
gnomAD v4.1: 14 of 1,614,048 alleles (0.00087%); highest among the groups gnomAD compares: Non-Finnish European, 0.001%; no homozygotes.

Submission:

GeneDx
Classification: Uncertain significance. Last evaluated: 2022-07-14. Review status: criteria provided, single submitter. Criteria: GeneDx Variant Classification Process June 2021. Collection method: clinical testing. Allele origin: germline. Affected: yes.
Comment: Reported in both affected and unaffected individuals in a family with dominantly inherited pure cerebellar ataxia (Knight et al., 2003); In silico analysis supports that this missense variant does not alter protein structure/function; This variant is associated with the following publications: (PMID: 12828938)